The following is an entry in ClinVar:

ClinVar aggregate classification (germline): Benign/Likely benign. Review status: criteria provided, multiple submitters, no conflicts (2 of 4 stars). 7 submissions from 7 submitters: Benign (1); Likely benign (5). 1 of the submissions does not count toward it. Last evaluated 2026-01-19.

Conditions:
SDHC-related disorder. Also called: SDHC-related condition.
Gastrointestinal stromal tumor. Also called: Gastrointestinal stromal tumor, somatic; Gastrointestinal stroma tumor. Identifiers: Orphanet 44890, MedGen C0238198, MeSH D046152, MONDO:0011719, OMIM 606764, HP:0100723.
Pheochromocytoma/paraganglioma syndrome 3. Also called: Paragangliomas 3; SDHC-Related Hereditary Paraganglioma-Pheochromocytoma Syndrome (Paragangliomas 3); SDHC-Related Hereditary Paraganglioma-Pheochromocytoma Syndrome; GLOMUS TUMORS, FAMILIAL, 3. Identifiers: Orphanet 29072, MedGen C1854336, MONDO:0011544, OMIM 605373.
Hereditary cancer-predisposing syndrome. Also called: Neoplastic Syndromes, Hereditary; Hereditary neoplastic syndrome; Hereditary Cancer Syndrome; Tumor predisposition. Identifiers: Orphanet 140162, MedGen C0027672, MeSH D009386, MONDO:0015356.
Hereditary pheochromocytoma and paraganglioma. Also called: Hereditary Paraganglioma-Pheochromocytoma Syndromes; Hereditary pheochromocytoma-paraganglioma; Hereditary paragangliomas and pheochromocytomas. Identifiers: Orphanet 29072, MedGen C4274332, MONDO:0017366.

Allele frequency attached by ClinVar (database versions not stated): gnomAD exomes 0.00001; ExAC 0.00002; TOPMed 0.00002; gnomAD 0.00004; 1000 Genomes Project 0.00020; 1000 Genomes Project 30x 0.00031.
gnomAD v4.1: 15 of 1,613,964 alleles (0.00093%); highest among the groups gnomAD compares: African/African-American, 0.019%; no homozygotes.

Submissions (7):

Labcorp Genetics (formerly Invitae), Labcorp
Classification: Likely benign for Pheochromocytoma/paraganglioma syndrome 3; Gastrointestinal stromal tumor. Last evaluated: 2026-01-19. Review status: criteria provided, single submitter. Criteria: Invitae Variant Classification Sherloc (09022015). Collection method: clinical testing. Allele origin: germline.

Myriad Genetics, Inc.
Classification: Benign for Pheochromocytoma/paraganglioma syndrome 3. Last evaluated: 2025-03-14. Review status: criteria provided, single submitter. Criteria: Myriad Autosomal Dominant, Autosomal Recessive and X-Linked Classification Criteria (2023). Collection method: clinical testing. Allele origin: unknown.
Comment: This variant is considered benign. This variant is a silent/synonymous amino acid change and it is not expected to impact splicing.

All of Us Research Program, National Institutes of Health
Classification: Likely benign for Hereditary pheochromocytoma and paraganglioma. Last evaluated: 2023-10-02. Review status: criteria provided, single submitter. Criteria: ACMG Guidelines, 2015. Collection method: clinical testing. Allele origin: germline. Inheritance: Autosomal dominant inheritance. Observed: 3 variant alleles, 3 heterozygotes.
Comment: This study involves interpretation of variants in research participants for the purpose of population health screening. Participant phenotype was not available at the time of variant classification. Additional details can be found in publication PMID: 35346344, PMCID: PMC8962531

Color Diagnostics, LLC DBA Color Health
Classification: Likely benign for Hereditary pheochromocytoma and paraganglioma. Last evaluated: 2022-11-06. Review status: criteria provided, single submitter. Criteria: ACMG Guidelines, 2015. Collection method: clinical testing. Allele origin: germline.

Sema4
Classification: Likely benign for Hereditary cancer-predisposing syndrome. Last evaluated: 2021-08-16. Review status: criteria provided, single submitter. Criteria: Sema4 Curation Guidelines. Collection method: curation. Allele origin: germline.

Ambry Genetics
Classification: Likely benign for Hereditary cancer-predisposing syndrome. Last evaluated: 2018-11-20. Review status: criteria provided, single submitter. Criteria: Ambry Variant Classification Scheme 2023. Collection method: clinical testing. Allele origin: germline.

PreventionGenetics, part of Exact Sciences
Classification: Likely benign for SDHC-related condition. Last evaluated: 2023-04-05. Review status: no assertion criteria provided. Collection method: clinical testing. Allele origin: germline. Not counted in ClinVar's aggregate classification.
Comment: This variant is classified as likely benign based on ACMG/AMP sequence variant interpretation guidelines (Richards et al. 2015 PMID: 25741868, with internal and published modifications).

NM_003001.5(SDHC):c.282G>A (p.Gly94=)

Gene: SDHC (succinate dehydrogenase complex subunit C; plus strand). Cytogenetic location: 1q23.3.
Variant type: single nucleotide variant.
Coding change: c.282G>A on transcript NM_003001.5 (MANE Select); coding-DNA position 282, G replaced by A.
Protein change: p.Gly94=; no amino-acid change (glycine 94 retained).
Molecular consequence: synonymous variant. On other transcripts: non-coding transcript variant (1), intron variant (3).
Genome position (GRCh38, 1-based): chr1:161,356,717, G>A. VCF-style: chr1-161356717-G-A. GRCh37 (hg19) VCF-style: chr1-161326507-G-A.
Other names: c.180G>A, p.Gly60= (NM_001035512.3); c.123G>A, p.Gly41= (NM_001035513.3); c.402G>A, p.Gly134= (NM_001407115.1); c.225G>A, p.Gly75= (NM_001407116.1); c.219G>A, p.Gly73= (NM_001407117.1); c.174G>A, p.Gly58= (NM_001407118.1); c.171G>A, p.Gly57= (NM_001407119.1, NM_001407120.1); c.242-5612G>A (NM_001035511.3); and 2 more.
Identifiers: ClinVar variation 239452 (VCV000239452.21), dbSNP rs536197277, ClinGen allele CA047161.
Genomic context (GRCh38, chr1:161,356,717, plus strand): 5'-CTACTTGGTTTTCTCCTCAGGGGTCTCTCTTTTTGGCATGTCGGCCCTGTTACTCCCTGG[G>A]AACTTTGAGTCTTATTTGGAACTTGTGAAGTCCCTGTGTCTGGGGCCAGCACTGATCCAC-3'
Protein context (NP_002992.1, residues 84-104): LFGMSALLLP[Gly94=]NFESYLELVK